The following is an entry in ClinVar:

ClinVar aggregate classification (germline): Uncertain significance (1 of 4 stars; one submission).

Conditions:
Inborn genetic diseases. Identifiers: MedGen C0950123, MeSH D030342.

Submission:

Ambry Genetics
Classification: Uncertain significance for Inborn genetic diseases. Last evaluated: 2023-10-26. Review status: criteria provided, single submitter. Criteria: Ambry Variant Classification Scheme 2023. Collection method: clinical testing. Allele origin: germline.
Comment: The c.-4_14dupTGCCATGCTGCCCGCCGC alteration is located in the 5' untranslated region (5'UTR) of the ATP5D gene. This alteration consists of a duplication of 18 nucleotides upstream from the first translated codon. Based on insufficient or conflicting evidence, the clinical significance of this alteration remains unclear.

NM_001687.5(ATP5F1D):c.-4_14dup (p.Ala5_Leu6insAlaMetLeuProAlaAla)

Gene: ATP5F1D (ATP synthase F1 subunit delta; plus strand). Cytogenetic location: 19p13.3.
Variant type: Duplication.
Coding change: c.-4_14dup on transcript NM_001687.5 (MANE Select); 4 bases upstream of the start codon through coding-DNA position 14, 18 bases duplicated (TGCCATGCTGCCCGCCGC).
Protein change: p.Ala5_Leu6insAlaMetLeuProAlaAla.
Molecular consequence: inframe insertion, initiator codon variant.
Genome position (GRCh38, 1-based): chr19:1,241,847-1,241,864, TGCCATGCTGCCCGCCGC duplicated; duplicating any 18 consecutive bases within chr19:1,241,838-1,241,864 gives the same sequence; the c. name uses the placement nearest the transcript's 3' end. VCF-style (leftmost placement, unchanged base first): chr19-1241837-C-CGCCCGCCGCTGCCATGCT. GRCh37 (hg19) VCF-style: chr19-1241836-C-CGCCCGCCGCTGCCATGCT.
Other names: c.-4_14dup, p.Ala5_Leu6insAlaMetLeuProAlaAla (NM_001001975.2).
Identifiers: ClinVar variation 3131682 (VCV003131682.1), dbSNP rs1355783332, ClinGen allele CA631029036.